The following is an entry in ClinVar:

NM_006947.4(SRP72):c.1357G>A (p.Ala453Thr)

Gene: SRP72 (signal recognition particle 72; plus strand). Cytogenetic location: 4q12.
Variant type: single nucleotide variant.
Coding change: c.1357G>A on transcript NM_006947.4 (MANE Select); coding-DNA position 1357, G replaced by A.
Protein change: p.Ala453Thr; replaces alanine 453 with threonine.
Molecular consequence: missense variant. On other transcripts: non-coding transcript variant (1).
Genome position (GRCh38, 1-based): chr4:56,490,369, G>A. VCF-style: chr4-56490369-G-A. GRCh37 (hg19) VCF-style: chr4-57356535-G-A.
Other names: c.1174G>A, p.Ala392Thr (NM_001267722.2); short protein forms A392T, A453T.
Identifiers: ClinVar variation 4589599 (VCV004589599.1).

ClinVar aggregate classification (germline): Uncertain significance (1 of 4 stars; one submission).

Submission:

Ambry Genetics
Classification: Uncertain significance. Last evaluated: 2025-10-11. Review status: criteria provided, single submitter. Criteria: Ambry Variant Classification Scheme 2023. Collection method: clinical testing. Allele origin: germline.
Comment: The p.A453T variant (also known as c.1357G>A), located in coding exon 14 of the SRP72 gene, results from a G to A substitution at nucleotide position 1357. The alanine at codon 453 is replaced by threonine, an amino acid with similar properties. This amino acid position is conserved. In addition, the in silico prediction for this alteration is inconclusive. Based on the available evidence, the clinical significance of this variant remains unclear.